The following is an entry in ClinVar:

NM_000465.4(BARD1):c.865C>T (p.Pro289Ser)

Gene: BARD1 (BRCA1 associated RING domain 1; minus strand). Cytogenetic location: 2q35.
Variant type: single nucleotide variant.
Coding change: c.865C>T on transcript NM_000465.4 (MANE Select); coding-DNA position 865, C replaced by T.
Protein change: p.Pro289Ser; replaces proline 289 with serine.
Molecular consequence: missense variant. On other transcripts: non-coding transcript variant (2), intron variant (3).
Genome position (GRCh38, 1-based): chr2:214,781,009, G>A on the plus strand (C>T on the coding strand, the complement: BARD1 is on the minus strand). VCF-style: chr2-214781009-G-A. GRCh37 (hg19) VCF-style: chr2-215645733-G-A.
Other names: c.808C>T, p.Pro270Ser (NM_001282543.2); c.158+28403C>T (NM_001282548.2); c.215+16052C>T (NM_001282545.2); c.364+11288C>T (NM_001282549.2); short protein forms P289S, P270S.
Identifiers: ClinVar variation 479147 (VCV000479147.16), dbSNP rs1553622386, ClinGen allele CA350455196.
Genomic context (GRCh38, chr2:214,781,009, plus strand): 5'-TAAGATAATTTTTGCAGACCTTCTCAGGAGTCACTACTTCATTCCTGCTCTTAGTGTCTG[G>A]AGACTCTATTTGCTCAGCCAATGGTAAAGAGACTTCAGTTAAACTTCCAAAACATTCAGA-3'
Protein context (NP_000456.2, residues 279-299): SLPLAEQIES[Pro289Ser]DTKSRNEVVT

ClinVar aggregate classification (germline): Uncertain significance. Review status: criteria provided, multiple submitters, no conflicts (2 of 4 stars). 2 submissions from 2 submitters: Uncertain significance (2). Last evaluated 2025-11-02.

Conditions:
Familial cancer of breast. Also called: BREAST CANCER, FAMILIAL; hereditary breast carcinoma; Hereditary breast cancer. Identifiers: Orphanet 227535, MedGen C0346153, MONDO:0016419, OMIM 114480. Disease mechanism: loss of function.
Hereditary cancer-predisposing syndrome. Also called: Neoplastic Syndromes, Hereditary; Hereditary Cancer Syndrome; Hereditary neoplastic syndrome; Tumor predisposition. Identifiers: Orphanet 140162, MedGen C0027672, MeSH D009386, MONDO:0015356.

gnomAD v4.1: 1 of 1,612,942 alleles (0.000062%); highest among the groups gnomAD compares: South Asian, 0.0011%; no homozygotes.

Submissions (2):

Labcorp Genetics (formerly Invitae), Labcorp
Classification: Uncertain significance for Familial cancer of breast. Last evaluated: 2025-11-02. Review status: criteria provided, single submitter. Criteria: Invitae Variant Classification Sherloc (09022015). Collection method: clinical testing. Allele origin: germline.
Comment: This sequence change replaces proline, which is neutral and non-polar, with serine, which is neutral and polar, at codon 289 of the BARD1 protein (p.Pro289Ser). This variant is not present in population databases (gnomAD no frequency). This variant has not been reported in the literature in individuals affected with BARD1-related conditions. ClinVar contains an entry for this variant (Variation ID: 479147). An algorithm developed to predict the effect of missense changes on protein structure and function (PolyPhen-2) suggests that this variant is likely to be tolerated. In summary, the available evidence is currently insufficient to determine the role of this variant in disease. Therefore, it has been classified as a Variant of Uncertain Significance.

Ambry Genetics
Classification: Uncertain significance for Hereditary cancer-predisposing syndrome. Last evaluated: 2016-05-10. Review status: criteria provided, single submitter. Criteria: Ambry Variant Classification Scheme 2023. Collection method: clinical testing. Allele origin: germline.
Comment: The p.P289S variant (also known as c.865C>T), located in coding exon 4 of the BARD1 gene, results from a C to T substitution at nucleotide position 865. The proline at codon 289 is replaced by serine, an amino acid with similar properties. This variant was not reported in population based cohorts in the following databases: Database of Single Nucleotide Polymorphisms (dbSNP), NHLBI Exome Sequencing Project (ESP), and 1000 Genomes Project. In the ESP, this variant was not observed in 6500 samples (13000 alleles) with coverage at this position. To date, this alteration has been detected with an allele frequency of approximately 0.001% (greater than 120000 alleles tested) in our clinical cohort. This amino acid position is well conserved in available vertebrate species. In addition, this alteration is predicted to be tolerated by in silico analysis. Since supporting evidence is limited at this time, the clinical significance of this alteration remains unclear.